The following is an entry in ClinVar:

NM_001378615.1(CC2D2A):c.4737_4738dup (p.Ser1580fs)

Genes: CC2D2A (coiled-coil and C2 domain containing 2A; plus strand), FBXL5 (F-box and leucine rich repeat protein 5; minus strand). Cytogenetic location: 4p15.32.
Variant type: Microsatellite.
Coding change: c.4737_4738dup on transcript NM_001378615.1 (MANE Select); coding-DNA positions 4737 to 4738, 2 bases duplicated (TA; older notation c.4737_4738dupTA).
Protein change: p.Ser1580fs; shifts the reading frame from serine 1580.
Molecular consequence: frameshift variant.
Genome position (GRCh38, 1-based): chr4:15,601,299-15,601,300, TA duplicated; duplicating any 2 consecutive bases within chr4:15,601,297-15,601,300 gives the same sequence; the c. name uses the placement nearest the transcript's 3' end. VCF-style (leftmost placement, unchanged base first): chr4-15601296-G-GTA. GRCh37 (hg19) VCF-style: chr4-15602919-G-GTA.
Other names: c.4737_4738dup, p.Ser1580fs (NM_001080522.2); c.4590_4591dup, p.Ser1531fs (NM_001378617.1); short protein forms S1531fs, S1580fs.
Identifiers: ClinVar variation 4784067 (VCV004784067.1).

ClinVar aggregate classification (germline): Pathogenic (1 of 4 stars; one submission).

Conditions:
Joubert syndrome. Also called: JOUBERT-BOLTSHAUSER SYNDROME; Familial aplasia of the vermis. Identifiers: Orphanet 475, MedGen C5979921, MONDO:0018772.
Meckel-Gruber syndrome. Also called: DYSENCEPHALIA SPLANCHNOCYSTICA; GRUBER SYNDROME; Dysencephalia splachnocystica. Identifiers: Orphanet 564, MedGen C0265215, MONDO:0018921.

Submission:

Labcorp Genetics (formerly Invitae), Labcorp
Classification: Pathogenic for Joubert syndrome; Meckel-Gruber syndrome. Last evaluated: 2025-03-13. Review status: criteria provided, single submitter. Criteria: Invitae Variant Classification Sherloc (09022015). Collection method: clinical testing. Allele origin: germline.
Comment: This sequence change creates a premature translational stop signal (p.Ser1580Ilefs*17) in the CC2D2A gene. While this is not anticipated to result in nonsense mediated decay, it is expected to disrupt the last 41 amino acid(s) of the CC2D2A protein. This variant is not present in population databases (gnomAD no frequency). This variant has not been reported in the literature in individuals affected with CC2D2A-related conditions. Algorithms developed to predict the effect of sequence changes on RNA splicing suggest that this variant may disrupt the consensus splice site. This variant disrupts a region of the CC2D2A protein in which other variant(s) (p.Ala1596Thr) have been determined to be pathogenic (PMID: 36319078; internal data). This suggests that this is a clinically significant region of the protein, and that variants that disrupt it are likely to be disease-causing. For these reasons, this variant has been classified as Pathogenic.

Literature cited by the submitters: PubMed 36319078.